The following is an entry in ClinVar:

ClinVar aggregate classification (germline): Likely pathogenic (1 of 4 stars; one submission).

Conditions:
Peroxisome biogenesis disorder 7A (Zellweger). Also called: Peroxisome biogenesis disorder 7A. Identifiers: Orphanet 912, MedGen C3888385, MONDO:0013938, OMIM 614872.
Peroxisome biogenesis disorder 7B (PBD7B). Identifiers: Orphanet 44, MedGen C3553951, MONDO:0013939, OMIM 614873.

Submission:

Labcorp Genetics (formerly Invitae), Labcorp
Classification: Likely pathogenic for Peroxisome biogenesis disorder 7A (Zellweger); Peroxisome biogenesis disorder 7B. Last evaluated: 2024-01-21. Review status: criteria provided, single submitter. Criteria: Invitae Variant Classification Sherloc (09022015). Collection method: clinical testing. Allele origin: unknown.
Comment: This variant results in a copy number gain of the genomic region encompassing exon(s) 4 of the PEX26 gene. While the exact position of this variant cannot be determined from the data, sub-genic copy number gains are generally in tandem (PMID: 25640679). This variant is predicted to be out-of-frame, and may result in an absent or disrupted protein product. Loss-of-function variants in PEX26 are known to be pathogenic (PMID: 12851857, 21031596). This variant has not been reported in the literature in individuals affected with PEX26-related conditions. In summary, the currently available evidence indicates that the variant is pathogenic, but additional data are needed to prove that conclusively. Therefore, this variant has been classified as Likely Pathogenic.

Literature cited by the submitters: PubMed 25640679; PubMed 12851857; PubMed 21031596.

NC_000022.10:g.(?_18566183)_(18566518_?)dup

Gene: PEX26 (peroxisomal biogenesis factor 26; plus strand). Cytogenetic location: 22q11.21.
Variant type: Duplication.
Identifiers: ClinVar variation 3247984 (VCV003247984.1).